The following is an entry in ClinVar:

NC_000012.11:g.(?_56711393)_(58190366_?)dup

Genes: SDR9C7 (short chain dehydrogenase/reductase family 9C member 7; minus strand), TSPAN31 (tetraspanin 31; plus strand), ZBTB39 (zinc finger and BTB domain containing 39; minus strand), STAC3 (SH3 and cysteine rich domain 3; minus strand), STAT2 (signal transducer and activator of transcription 2; minus strand) and 48 more. Cytogenetic location: 12q13.3-14.1.
Variant type: Duplication.
Identifiers: ClinVar variation 3244244 (VCV003244244.1).

ClinVar aggregate classification (germline): Uncertain significance. Review status: criteria provided, single submitter (1 of 4 stars). 3 submissions from 1 submitter: Uncertain significance (3). Last evaluated 2023-03-14.

Conditions:
Cataract 15 multiple types. Also called: CATARACT 15, LAMELLAR WITH SUTURAL OPACITIES. Identifiers: Orphanet 91492, MedGen C3809001, MONDO:0014110, OMIM 615274.
Severe early-onset pulmonary alveolar proteinosis due to MARS deficiency. Also called: PULMONARY ALVEOLAR PROTEINOSIS, REUNION ISLAND; Interstitial lung and liver disease. Identifiers: Orphanet 440427, MedGen C4225400, MONDO:0014206, OMIM 615486.
Charcot-Marie-Tooth disease axonal type 2U. Also called: CHARCOT-MARIE-TOOTH NEUROPATHY, TYPE 2U; CHARCOT-MARIE-TOOTH DISEASE, AXONAL, AUTOSOMAL DOMINANT, TYPE 2U. Identifiers: Orphanet 397735, MedGen C4084821, MONDO:0014566, OMIM 616280.
Spastic paraplegia. Identifiers: MedGen C0037772, HP:0001258.

Submissions (3):

Labcorp Genetics (formerly Invitae), Labcorp
Classification: Uncertain significance for Charcot-Marie-Tooth disease axonal type 2U; Severe early-onset pulmonary alveolar proteinosis due to MARS deficiency. Last evaluated: 2023-03-14. Review status: criteria provided, single submitter. Criteria: Invitae Variant Classification Sherloc (09022015). Collection method: clinical testing. Allele origin: unknown.
Comment: In summary, the available evidence is currently insufficient to determine the role of this variant in disease. Therefore, it has been classified as a Variant of Uncertain Significance. This variant has not been reported in the literature in individuals affected with MARS-related conditions. A copy number gain of the genomic region encompassing the full coding sequence of the MARS gene has been identified. The boundaries of this event are unknown as they extend beyond the assayed region for this gene and therefore may encompass additional genes. As the precise location of this event is unknown, it may be in tandem or it may be located elsewhere in the genome.

Labcorp Genetics (formerly Invitae), Labcorp
Classification: Uncertain significance for Spastic paraplegia. Last evaluated: 2023-03-14. Review status: criteria provided, single submitter. Criteria: Invitae Variant Classification Sherloc (09022015). Collection method: clinical testing. Allele origin: unknown.
Comment: In summary, the available evidence is currently insufficient to determine the role of this variant in disease. Therefore, it has been classified as a Variant of Uncertain Significance. This variant has not been reported in the literature in individuals affected with KIF5A-related conditions. A copy number gain of the genomic region encompassing the full coding sequence of the KIF5A gene has been identified. The boundaries of this event are unknown as they extend beyond the assayed region for this gene and therefore may encompass additional genes. As the precise location of this event is unknown, it may be in tandem or it may be located elsewhere in the genome.

Labcorp Genetics (formerly Invitae), Labcorp
Classification: Uncertain significance for Cataract 15 multiple types. Last evaluated: 2023-03-14. Review status: criteria provided, single submitter. Criteria: Invitae Variant Classification Sherloc (09022015). Collection method: clinical testing. Allele origin: unknown.
Comment: This variant has not been reported in the literature in individuals affected with MIP-related conditions. In summary, the available evidence is currently insufficient to determine the role of this variant in disease. Therefore, it has been classified as a Variant of Uncertain Significance. A copy number gain of the genomic region encompassing the full coding sequence of the MIP gene has been identified. The boundaries of this event are unknown as they extend beyond the assayed region for this gene and therefore may encompass additional genes. As the precise location of this event is unknown, it may be in tandem or it may be located elsewhere in the genome.